The following is an entry in ClinVar:

ClinVar aggregate classification (germline): Uncertain significance (1 of 4 stars; one submission).

Allele frequency attached by ClinVar (database versions not stated): gnomAD exomes 0.00001; ExAC 0.00002.
gnomAD v4.1: 3 of 1,613,350 alleles (0.00019%); highest among the groups gnomAD compares: Non-Finnish European, 0.00025%; no homozygotes.

Submission:

Labcorp Genetics (formerly Invitae), Labcorp
Classification: Uncertain significance. Last evaluated: 2023-01-27. Review status: criteria provided, single submitter. Criteria: Invitae Variant Classification Sherloc (09022015). Collection method: clinical testing. Allele origin: germline.
Comment: This sequence change replaces glutamine, which is neutral and polar, with histidine, which is basic and polar, at codon 25 of the TUBGCP6 protein (p.Gln25His). This variant is present in population databases (rs775175285, gnomAD 0.002%). This variant has not been reported in the literature in individuals affected with TUBGCP6-related conditions. Algorithms developed to predict the effect of missense changes on protein structure and function (SIFT, PolyPhen-2, Align-GVGD) all suggest that this variant is likely to be tolerated. In summary, the available evidence is currently insufficient to determine the role of this variant in disease. Therefore, it has been classified as a Variant of Uncertain Significance.

NM_020461.4(TUBGCP6):c.75G>C (p.Gln25His)

Gene: TUBGCP6 (tubulin gamma complex component 6; minus strand). Cytogenetic location: 22q13.33.
Variant type: single nucleotide variant.
Coding change: c.75G>C on transcript NM_020461.4 (MANE Select); coding-DNA position 75, G replaced by C.
Protein change: p.Gln25His; replaces glutamine 25 with histidine.
Molecular consequence: missense variant.
Genome position (GRCh38, 1-based): chr22:50,244,385, C>G on the plus strand (G>C on the coding strand, the complement: TUBGCP6 is on the minus strand). VCF-style: chr22-50244385-C-G. GRCh37 (hg19) VCF-style: chr22-50682814-C-G.
Other names: short protein forms Q25H.
Identifiers: ClinVar variation 2828514 (VCV002828514.3), dbSNP rs775175285, ClinGen allele CA10309126.